The following is an entry in ClinVar:

NM_007186.6(CEP250):c.1389-7C>A

Genes: CEP250 (centrosomal protein 250; plus strand), CEP250-AS1 (CEP250 antisense RNA 1; minus strand). Cytogenetic location: 20q11.22.
Variant type: single nucleotide variant.
Coding change: c.1389-7C>A on transcript NM_007186.6 (MANE Select); 7 bases into the intron before coding-DNA position 1389, C replaced by A.
Molecular consequence: intron variant.
Genome position (GRCh38, 1-based): chr20:35,473,863, C>A. VCF-style: chr20-35473863-C-A. GRCh37 (hg19) VCF-style: chr20-34061688-C-A.
Other names: c.-511-7C>A (NM_001318219.1); c.1389-7C>A (NM_007186.5).
Identifiers: ClinVar variation 1409563 (VCV001409563.9), dbSNP rs776659605, ClinGen allele CA9832919.

ClinVar aggregate classification (germline): Likely benign (1 of 4 stars; one submission).

Conditions:
Usher syndrome. Also called: Usher's syndrome; Usher Syndromes. Identifiers: Orphanet 886, MedGen CN469326, MeSH D052245, MONDO:0019501. Disease mechanism: loss of function.

Allele frequency attached by ClinVar (database versions not stated): gnomAD exomes below 0.00001 and 0.00001; ExAC 0.00001; gnomAD 0.00002; TOPMed 0.00002.
gnomAD v4.1: 16 of 1,607,176 alleles (0.001%); highest among the groups gnomAD compares: Non-Finnish European, 0.0014%; no homozygotes.

Submission:

Labcorp Genetics (formerly Invitae), Labcorp
Classification: Likely benign. Last evaluated: 2024-02-24. Review status: criteria provided, single submitter. Criteria: Invitae Variant Classification Sherloc (09022015). Collection method: clinical testing. Allele origin: germline.